The following is an entry in ClinVar:

NM_002693.3(POLG):c.3313G>C (p.Ala1105Pro)

Gene: POLG (DNA polymerase gamma, catalytic subunit; minus strand). Cytogenetic location: 15q26.1.
Variant type: single nucleotide variant.
Coding change: c.3313G>C on transcript NM_002693.3 (MANE Select); coding-DNA position 3313, G replaced by C.
Protein change: p.Ala1105Pro; replaces alanine 1105 with proline.
Molecular consequence: missense variant.
Genome position (GRCh38, 1-based): chr15:89,318,710, C>G on the plus strand (G>C on the coding strand, the complement: POLG is on the minus strand). VCF-style: chr15-89318710-C-G. GRCh37 (hg19) VCF-style: chr15-89861941-C-G.
Other names: p.A1105P:GCT>CCT; NM_002693.2(POLG):c.3313G>C; p.Ala1105Pro; c.3313G>C, p.Ala1105Pro (NM_001126131.2); short protein forms A1105P.
Identifiers: ClinVar variation 206560 (VCV000206560.10), dbSNP rs753410045, ClinGen allele CA316764.
Genomic context (GRCh38, chr15:89,318,710, plus strand): 5'-TGGCAAACTCTTCAAACAGCCACTTCATGGCCACAAGCATGAGGTGTAAGTAGTCAACAG[C>G]AGAGCTCTGTACCACCCAATTCACACGGCTGGTCATAAACTGGGAAGGGAAGGTGGGCAG-3'
Protein context (NP_002684.1, residues 1095-1115): SRVNWVVQSS[Ala1105Pro]VDYLHLMLVA

ClinVar aggregate classification (germline): Likely pathogenic. Review status: reviewed by expert panel (3 of 4 stars). 5 submissions from 5 submitters: Likely pathogenic (1). 4 of the submissions do not count toward it. Last evaluated 2021-05-23.

Conditions:
Sensory ataxic neuropathy, dysarthria, and ophthalmoparesis (SANDO). Also called: Sensory ataxic neuropathy-dysarthria-ophthalmoparesis syndrome; Ataxia Neuropathy Spectrum (ANS); Epilepsy, progressive myoclonic, type 5; SENSORY ATAXIC NEUROPATHY WITH MITOCHONDRIAL DNA DELETIONS, AUTOSOMAL RECESSIVE. Identifiers: Orphanet 70595, MedGen C1843851, MONDO:0011835, OMIM 607459.
Progressive sclerosing poliodystrophy (MTDPS4A). Also called: Alpers Syndrome; Mitochondrial DNA depletion syndrome 4A (Alpers type); ALPERS DIFFUSE DEGENERATION OF CEREBRAL GRAY MATTER WITH HEPATIC CIRRHOSIS; Alpers-Huttenlocher Syndrome; ALPERS PROGRESSIVE INFANTILE POLIODYSTROPHY; NEURONAL DEGENERATION OF CHILDHOOD WITH LIVER DISEASE, PROGRESSIVE. Identifiers: Orphanet 726, MedGen C0205710, MONDO:0008758, OMIM 203700.
Progressive external ophthalmoplegia with mitochondrial DNA deletions, autosomal recessive 1 (PEOB1). Also called: Progressive external ophthalmoplegia, autosomal recessive 1; Autosomal Recessive Progressive External Ophthalmoplegia (arPEO). Identifiers: Orphanet 254886, MedGen C4225153, MONDO:0009783, OMIM 258450.
Progressive external ophthalmoplegia with mitochondrial DNA deletions, autosomal dominant 1 (PEOA1). Also called: PROGRESSIVE EXTERNAL OPHTHALMOPLEGIA, AUTOSOMAL DOMINANT 1; Autosomal Dominant Progressive External Ophthalmoplegia (adPEO). Identifiers: MedGen C1834846, MONDO:0024528, OMIM 157640.
Mitochondrial DNA depletion syndrome 4b. Also called: MNGIE, POLG-RELATED; Mitochondrial Neurogastrointestinal Encephalopathy Disease, POLG-Related. Identifiers: Orphanet 298, MedGen C3150914, MONDO:0013350, OMIM 613662.
Mitochondrial disease. Also called: Mitochondrial disorder; Mitochondrial disorders. Identifiers: Orphanet 68380, MedGen C0751651, MeSH D028361, MONDO:0044970.

gnomAD v4.1: 3 of 1,614,228 alleles (0.00019%); highest among the groups gnomAD compares: Non-Finnish European, 0.00025%; no homozygotes.

Submissions (5):

ClinGen Mitochondrial Disease Nuclear and Mitochondrial  Variant Curation Expert Panel, ClinGen
Classification: Likely pathogenic for Mitochondrial disease. Last evaluated: 2021-05-23. Review status: reviewed by expert panel. Criteria: clingen mito disease acmg specifications v1-1. Collection method: curation. Allele origin: germline. Inheritance: Autosomal recessive inheritance.
Comment: The c.3313G>C (p.Ala1105Pro) variant in POLG is not in any databases (PM2). This variant has a Revel score of 0.932 (PP3). There are no publications of cases with this variant. There is a case in the literature where the same amino acid position p.Ala1105Thr resulted in three family members affected PEO, ptosis, tremors, muscle weakness, and multiple mtDNA deletions (PS1; PMID: 15351195). In summary, this variant meets criteria to be classified as likely pathogenic for mitochondrial disease inherited in an autosomal recessive manner. ntDNA ACMG/AMP criteria for POLG applied: PVS1, PM2, PP3

GeneDx
Classification: Uncertain significance. Last evaluated: 2026-01-03. Review status: criteria provided, single submitter. Criteria: GeneDx Variant Classification Process June 2021. Collection method: clinical testing. Allele origin: germline. Affected: yes. Not counted in ClinVar's aggregate classification.
Comment: Not observed at significant frequency in large population cohorts (gnomAD); In silico analysis supports that this missense variant has a deleterious effect on protein structure/function; Observed with a second variant in POLG in a patient with cerebral palsy (PMID: 38693247) and another with epilepsy (Saneto RP 2017, doi:10.1177/2326409817733012), but it is not known whether the variants occurred on the same (in cis) or on different (in trans) chromosomes in these patients; This variant is associated with the following publications: (PMID: 38693247, Russell2017[CaseReport])

Women's Health and Genetics/Laboratory Corporation of America, LabCorp
Classification: Uncertain significance. Last evaluated: 2024-04-29. Review status: criteria provided, single submitter. Criteria: LabCorp Variant Classification Summary - May 2015. Collection method: clinical testing. Allele origin: germline. Not counted in ClinVar's aggregate classification.
Comment: Variant summary: POLG c.3313G>C (p.Ala1105Pro) results in a non-conservative amino acid change located in the DNA-directed DNA polymerase, family A, palm domain (IPR001098) of the encoded protein sequence. Five of five in-silico tools predict a damaging effect of the variant on protein function. The variant was absent in 251440 control chromosomes (gnomAD). The available data on variant occurrences in the general population are insufficient to allow any conclusion about variant significance. To our knowledge, no occurrence of c.3313G>C in individuals affected with Mitochondrial DNA Depletion Syndrome - POLG Related and no experimental evidence demonstrating its impact on protein function have been reported. ClinVar contains an entry for this variant (Variation ID: 206560). Based on the evidence outlined above, the variant was classified as uncertain significance.

Labcorp Genetics (formerly Invitae), Labcorp
Classification: Uncertain significance for Progressive sclerosing poliodystrophy. Last evaluated: 2022-08-31. Review status: criteria provided, single submitter. Criteria: Invitae Variant Classification Sherloc (09022015). Collection method: clinical testing. Allele origin: germline. Not counted in ClinVar's aggregate classification.
Comment: This sequence change replaces alanine, which is neutral and non-polar, with proline, which is neutral and non-polar, at codon 1105 of the POLG protein (p.Ala1105Pro). This variant is not present in population databases (gnomAD no frequency). This variant has not been reported in the literature in individuals affected with POLG-related conditions. ClinVar contains an entry for this variant (Variation ID: 206560). Algorithms developed to predict the effect of missense changes on protein structure and function are either unavailable or do not agree on the potential impact of this missense change (SIFT: "Deleterious"; PolyPhen-2: "Probably Damaging"; Align-GVGD: "Class C0"). In summary, the available evidence is currently insufficient to determine the role of this variant in disease. Therefore, it has been classified as a Variant of Uncertain Significance.

Juno Genomics, Hangzhou Juno Genomics, Inc
Classification: Uncertain significance for Progressive sclerosing poliodystrophy; Mitochondrial DNA depletion syndrome 4b; Sensory ataxic neuropathy, dysarthria, and ophthalmoparesis; Progressive external ophthalmoplegia with mitochondrial DNA deletions, autosomal dominant 1; Progressive external ophthalmoplegia with mitochondrial DNA deletions, autosomal recessive 1. Review status: criteria provided, single submitter. Criteria: ACMG Guidelines, 2015. Collection method: clinical testing. Allele origin: germline. Not counted in ClinVar's aggregate classification.
Comment: Absent from controls (or at extremely low frequency if recessive) in Genome Aggregation Database.;Multiple lines of computational evidence support a deleterious effect on the gene or gene product.